The following is an entry in ClinVar:

ClinVar aggregate classification (germline): Pathogenic/Likely pathogenic. Review status: criteria provided, multiple submitters, no conflicts (2 of 4 stars). 2 submissions from 2 submitters: Pathogenic (1); Likely pathogenic (1). Last evaluated 2022-06-22.

Conditions:
Hypertrophic cardiomyopathy 3. Also called: TPM1-Related Familial Hypertrophic Cardiomyopathy. Identifiers: MedGen C1861863, MONDO:0007267, OMIM 115196.
Hypertrophic cardiomyopathy. Also called: HYPERTROPHIC MYOCARDIOPATHY. Identifiers: Orphanet 217569, MedGen C0007194, MeSH D002312, MONDO:0005045, HP:0001639.

Submissions (2):

Petrovsky National Research Centre of Surgery, The Federal Agency for Scientific Organizations
Classification: Pathogenic for Hypertrophic cardiomyopathy 3. Last evaluated: 2022-06-22. Review status: criteria provided, single submitter. Criteria: ACMG Guidelines, 2015. Collection method: clinical testing. Allele origin: germline. Inheritance: Autosomal dominant inheritance. Affected: yes. Observed: 1 heterozygote.
Comment: This variant is not present in databases (gnomAD v2.1.1 and v3.1.2, LOVD) located in a mutational hot spot and/or critical and well-established functional domain. Multiple computational resources predict deleterious effect of p.Glu98Lys genetic variant. This missense change has been observed in individual(s) with TPM1-related conditions and in at least one individual the variant was observed to be de novo (Invitae). The Glu98Lys substitution in the N-terminal part of the Tpm molecule significantly destabilizes the C-terminal part of Tpm, thus indicating a long-distance destabilizing effect of the substitution on the Tpm coiled-coil structure. The in vitro studies showed that the Glu98Lys substitution significantly impaired Tpm regulatory properties by increasing the Ca2+ sensitivity of the sliding velocity of regulated thin filaments over cardiac myosin. Therefore, this variant has been classified as Pathogenic.

Labcorp Genetics (formerly Invitae), Labcorp
Classification: Likely pathogenic for Hypertrophic cardiomyopathy. Last evaluated: 2021-10-21. Review status: criteria provided, single submitter. Criteria: Invitae Variant Classification Sherloc (09022015). Collection method: clinical testing. Allele origin: germline.
Comment: This sequence change replaces glutamic acid, which is acidic and polar, with lysine, which is basic and polar, at codon 98 of the TPM1 protein (p.Glu98Lys). This variant is not present in population databases (gnomAD no frequency). This missense change has been observed in individual(s) with TPM1-related conditions (Invitae). In at least one individual the variant was observed to be de novo. Algorithms developed to predict the effect of missense changes on protein structure and function are either unavailable or do not agree on the potential impact of this missense change (SIFT: "Tolerated"; PolyPhen-2: "Probably Damaging"; Align-GVGD: "Class C0"). In summary, the currently available evidence indicates that the variant is pathogenic, but additional data are needed to prove that conclusively. Therefore, this variant has been classified as Likely Pathogenic.

NM_001018005.2(TPM1):c.292G>A (p.Glu98Lys)

Gene: TPM1 (tropomyosin 1; plus strand). Cytogenetic location: 15q22.2.
Variant type: single nucleotide variant.
Coding change: c.292G>A on transcript NM_001018005.2 (MANE Select); coding-DNA position 292, G replaced by A.
Protein change: p.Glu98Lys; replaces glutamic acid 98 with lysine.
Molecular consequence: missense variant.
Genome position (GRCh38, 1-based): chr15:63,057,036, G>A. VCF-style: chr15-63057036-G-A. GRCh37 (hg19) VCF-style: chr15-63349235-G-A.
Other names: p.Glu98Lys; c.292G>A, p.Glu98Lys (NM_000366.6, NM_001018004.2, NM_001018006.2 and 6 more transcripts); c.184G>A, p.Glu62Lys (NM_001018008.2, NM_001301289.2, NM_001330344.2 and 5 more transcripts); c.418G>A, p.Glu140Lys (NM_001365778.1); short protein forms E62K, E98K, E140K.
Identifiers: ClinVar variation 1472862 (VCV001472862.7), dbSNP rs730881131, ClinGen allele CA392720843.
Genomic context (GRCh38, chr15:63,057,036, plus strand): 5'-TCTACCTAGGCTGAAGCCGACGTAGCTTCTCTGAACAGACGCATCCAGCTGGTTGAGGAA[G>A]AGTTGGATCGTGCCCAGGAGCGTCTGGCAACAGCTTTGCAGAAGCTGGAGGAAGCTGAGA-3'
Protein context (NP_001018005.1, residues 88-108): LNRRIQLVEE[Glu98Lys]LDRAQERLAT